The following is an entry in ClinVar:

ClinVar aggregate classification (germline): Likely benign. Review status: criteria provided, multiple submitters, no conflicts (2 of 4 stars). 3 submissions from 3 submitters: Likely benign (3). Last evaluated 2026-02-27.

gnomAD v4.1: 5 of 1,613,560 alleles (0.00031%); highest among the groups gnomAD compares: Admixed American, 0.005%; no homozygotes.

Submissions (3):

Women's Health and Genetics/Laboratory Corporation of America, LabCorp
Classification: Likely benign. Last evaluated: 2026-02-27. Review status: criteria provided, single submitter. Criteria: LabCorp Variant Classification Summary - May 2015. Collection method: clinical testing. Allele origin: germline.
Comment: Variant summary: COL4A2 c.1236C>A alters a non-conserved nucleotide resulting in a synonymous change. Consensus agreement among computation tools predict no significant impact on normal splicing. However, these predictions have yet to be confirmed by functional studies. The variant was absent in 249216 control chromosomes. The available data on variant occurrences in the general population are insufficient to allow any conclusion about variant significance. To our knowledge, no occurrence of c.1236C>A in individuals affected with COL4A2-related conditions and no experimental evidence demonstrating its impact on protein function have been reported. ClinVar contains an entry for this variant (Variation ID: 3665172). Based on the evidence outlined above, the variant was classified as likely benign.

Labcorp Genetics (formerly Invitae), Labcorp
Classification: Likely benign. Last evaluated: 2026-01-19. Review status: criteria provided, single submitter. Criteria: Invitae Variant Classification Sherloc (09022015). Collection method: clinical testing. Allele origin: germline.

Blueprint Genetics
Classification: Likely benign. Last evaluated: 2024-10-08. Review status: criteria provided, single submitter. Criteria: ACMG Guidelines, 2015. Collection method: clinical testing. Allele origin: germline.

NM_001846.4(COL4A2):c.1236C>A (p.Ile412=)

Gene: COL4A2 (collagen type IV alpha 2 chain; plus strand). Cytogenetic location: 13q34.
Variant type: single nucleotide variant.
Coding change: c.1236C>A on transcript NM_001846.4 (MANE Select); coding-DNA position 1236, C replaced by A.
Protein change: p.Ile412=; no amino-acid change (isoleucine 412 retained).
Molecular consequence: synonymous variant.
Genome position (GRCh38, 1-based): chr13:110,450,351, C>A. VCF-style: chr13-110450351-C-A. GRCh37 (hg19) VCF-style: chr13-111102698-C-A.
Identifiers: ClinVar variation 3665172 (VCV003665172.5).
Genomic context (GRCh38, chr13:110,450,351, plus strand): 5'-CTGTTTGGTTTCAGATCAGAGGAGAGGCCTGCCGGGTGAGATGGGACCCAAGGGCTTCAT[C>A]GGAGACCCCGGCATCCCTGCGCTCTACGGGGGCCCACCTGGACCTGATGGAAAGCGAGGG-3'
Protein context (NP_001837.2, residues 402-422): LPGEMGPKGF[Ile412=]GDPGIPALYG